The following is an entry in ClinVar:

NM_002691.4(POLD1):c.2477G>A (p.Cys826Tyr)

Gene: POLD1 (DNA polymerase delta 1, catalytic subunit; plus strand). Cytogenetic location: 19q13.33.
Variant type: single nucleotide variant.
Coding change: c.2477G>A on transcript NM_002691.4 (MANE Select); coding-DNA position 2477, G replaced by A.
Protein change: p.Cys826Tyr; replaces cysteine 826 with tyrosine.
Molecular consequence: missense variant. On other transcripts: non-coding transcript variant (1).
Genome position (GRCh38, 1-based): chr19:50,414,903, G>A. VCF-style: chr19-50414903-G-A. GRCh37 (hg19) VCF-style: chr19-50918160-G-A.
Other names: c.2477G>A, p.Cys826Tyr (NM_001256849.1); c.2555G>A, p.Cys852Tyr (NM_001308632.1); short protein forms C852Y, C826Y.
Identifiers: ClinVar variation 1373021 (VCV001373021.6), dbSNP rs2122466177, ClinGen allele CA406985078.

ClinVar aggregate classification (germline): Uncertain significance (1 of 4 stars; one submission).

Conditions:
POLD1-related polyposis and colorectal cancer syndrome (CRCS10). Also called: Colorectal cancer, susceptibility to, 10; Colorectal cancer 10; COLORECTAL CANCER, SUSCEPTIBILITY TO, ON CHROMOSOME 19q. Identifiers: Orphanet 220460, MedGen C2675481, MONDO:0012953, OMIM 612591.

Submission:

Labcorp Genetics (formerly Invitae), Labcorp
Classification: Uncertain significance for POLD1-related polyposis and colorectal cancer syndrome. Last evaluated: 2022-09-26. Review status: criteria provided, single submitter. Criteria: Invitae Variant Classification Sherloc (09022015). Collection method: clinical testing. Allele origin: germline.
Comment: This sequence change replaces cysteine, which is neutral and slightly polar, with tyrosine, which is neutral and polar, at codon 826 of the POLD1 protein (p.Cys826Tyr). This variant is not present in population databases (gnomAD no frequency). This variant has not been reported in the literature in individuals affected with POLD1-related conditions. ClinVar contains an entry for this variant (Variation ID: 1373021). Advanced modeling of protein sequence and biophysical properties (such as structural, functional, and spatial information, amino acid conservation, physicochemical variation, residue mobility, and thermodynamic stability) performed at Invitae indicates that this missense variant is expected to disrupt POLD1 protein function. In summary, the available evidence is currently insufficient to determine the role of this variant in disease. Therefore, it has been classified as a Variant of Uncertain Significance.